The following is an entry in ClinVar:

ClinVar aggregate classification (germline): Uncertain significance (1 of 4 stars; one submission).

Conditions:
Developmental and epileptic encephalopathy, 7 (DEE7). Also called: KCNQ2-Related Neonatal Epileptic Encephalopathy; Early infantile epileptic encephalopathy 7; KCNQ2-Related Neonatal-Onset Developmental and Epileptic Encephalopathy (NEO-DEE). Identifiers: Orphanet 439218, MedGen C3150986, MONDO:0013387, OMIM 613720.

Submission:

3billion
Classification: Uncertain significance for Developmental and epileptic encephalopathy, 7. Last evaluated: 2024-11-21. Review status: criteria provided, single submitter. Criteria: ACMG Guidelines, 2015. Collection method: clinical testing. Allele origin: germline. Affected: yes.
Comment: The variant is not observed in the gnomAD v4.1.0 dataset. Predicted Consequence/Location: Missense variant In silico tool predictions suggest damaging effect of the variant on gene or gene product [REVEL: 0.67 (>=0.6, sensitivity 0.68 and specificity 0.92)]. Therefore, this variant is classified as VUS according to the recommendation of ACMG/AMP guideline.

NM_172107.4(KCNQ2):c.1562A>G (p.Lys521Arg)

Gene: KCNQ2 (potassium voltage-gated channel subfamily Q member 2; minus strand). Cytogenetic location: 20q13.33.
Variant type: single nucleotide variant.
Coding change: c.1562A>G on transcript NM_172107.4 (MANE Select); coding-DNA position 1562, A replaced by G.
Protein change: p.Lys521Arg; replaces lysine 521 with arginine.
Molecular consequence: missense variant.
Genome position (GRCh38, 1-based): chr20:63,414,157, T>C on the plus strand (A>G on the coding strand, the complement: KCNQ2 is on the minus strand). VCF-style: chr20-63414157-T-C. GRCh37 (hg19) VCF-style: chr20-62045510-T-C.
Other names: c.1508A>G, p.Lys503Arg (NM_001382235.1, NM_172106.3); c.1505A>G, p.Lys502Arg (NM_001439003.1); c.1475A>G, p.Lys492Arg (NM_001439004.1); c.1478A>G, p.Lys493Arg (NM_004518.6); c.1469A>G, p.Lys490Arg (NM_172108.5); short protein forms K490R, K492R, K493R, K502R, K503R, K521R.
Identifiers: ClinVar variation 4293686 (VCV004293686.1).
Genomic context (GRCh38, chr20:63,414,157, plus strand): 5'-CTGATGCTGACTTTGAGGCCCGGGGTCAGGTCCTCGGTCACAAACTCGCAGGGGCAGCTC[T>C]TGTCATCCACAATGTCCTCTCCGGGGAGGCTTGCTTCTGGGGGGAAGGAGACAGGCCGTG-3'
Protein context (NP_742105.1, residues 511-531): SLPGEDIVDD[Lys521Arg]SCPCEFVTED